The following is an entry in ClinVar:

NM_004530.6(MMP2):c.1870C>T (p.Gln624Ter)

Gene: MMP2 (matrix metallopeptidase 2; plus strand). Cytogenetic location: 16q12.2.
Variant type: single nucleotide variant.
Coding change: c.1870C>T on transcript NM_004530.6 (MANE Select); coding-DNA position 1870, C replaced by T.
Protein change: p.Gln624Ter; replaces glutamine 624 with a stop codon.
Molecular consequence: nonsense.
Genome position (GRCh38, 1-based): chr16:55,502,879, C>T. VCF-style: chr16-55502879-C-T. GRCh37 (hg19) VCF-style: chr16-55536791-C-T.
Other names: c.1720C>T, p.Gln574Ter (NM_001127891.3); c.1642C>T, p.Gln548Ter (NM_001302508.1, NM_001302509.2, NM_001302510.2); short protein forms Q548*, Q574*, Q624*.
Identifiers: ClinVar variation 1025931 (VCV001025931.6), dbSNP rs1962704811, ClinGen allele CA395938567.

ClinVar aggregate classification (germline): Uncertain significance (1 of 4 stars; one submission).

Submission:

Labcorp Genetics (formerly Invitae), Labcorp
Classification: Uncertain significance. Last evaluated: 2021-12-10. Review status: criteria provided, single submitter. Criteria: Invitae Variant Classification Sherloc (09022015). Collection method: clinical testing. Allele origin: germline.
Comment: This sequence change creates a premature translational stop signal (p.Gln624*) in the MMP2 gene. While this is not anticipated to result in nonsense mediated decay, it is expected to disrupt the last 37 amino acid(s) of the MMP2 protein. This variant is not present in population databases (gnomAD no frequency). This variant has not been reported in the literature in individuals affected with MMP2-related conditions. ClinVar contains an entry for this variant (Variation ID: 1025931). Experimental studies and prediction algorithms are not available or were not evaluated, and the functional significance of this variant is currently unknown. In summary, the available evidence is currently insufficient to determine the role of this variant in disease. Therefore, it has been classified as a Variant of Uncertain Significance.